The following is an entry in ClinVar:

NM_001199753.2(CPT1C):c.333C>T (p.Ala111=)

Gene: CPT1C (carnitine palmitoyltransferase 1C; plus strand). Cytogenetic location: 19q13.33.
Variant type: single nucleotide variant.
Coding change: c.333C>T on transcript NM_001199753.2 (MANE Select); coding-DNA position 333, C replaced by T.
Protein change: p.Ala111=; no amino-acid change (alanine 111 retained).
Molecular consequence: synonymous variant. On other transcripts: non-coding transcript variant (1).
Genome position (GRCh38, 1-based): chr19:49,700,735, C>T. VCF-style: chr19-49700735-C-T. GRCh37 (hg19) VCF-style: chr19-50203992-C-T.
Other names: c.333C>T, p.Ala111= (NM_001378482.1, NM_001378483.1, NM_001378484.1 and 7 more transcripts).
Identifiers: ClinVar variation 3046389 (VCV003046389.4), dbSNP rs775373311, ClinGen allele CA9581763.

ClinVar aggregate classification (germline): Likely benign. Review status: criteria provided, single submitter (1 of 4 stars). 2 submissions from 2 submitters: Likely benign (1). 1 of the submissions does not count toward it. Last evaluated 2024-11-19.

Conditions:
Hereditary spastic paraplegia 73. Also called: Spastic paraplegia 73, autosomal dominant. Identifiers: Orphanet 444099, MedGen C5568981, MONDO:0014568, OMIM 616282.
CPT1C-related disorder. Also called: CPT1C-related condition.

Allele frequency attached by ClinVar (database versions not stated): gnomAD exomes below 0.00001; ExAC 0.00002.
gnomAD v4.1: 4 of 1,612,650 alleles (0.00025%); highest among the groups gnomAD compares: Admixed American, 0.0067%; no homozygotes.

Submissions (2):

Labcorp Genetics (formerly Invitae), Labcorp
Classification: Likely benign for Hereditary spastic paraplegia 73. Last evaluated: 2024-11-19. Review status: criteria provided, single submitter. Criteria: Invitae Variant Classification Sherloc (09022015). Collection method: clinical testing. Allele origin: germline.

PreventionGenetics, part of Exact Sciences
Classification: Likely benign for CPT1C-related condition. Last evaluated: 2019-02-21. Review status: no assertion criteria provided. Collection method: clinical testing. Allele origin: germline. Not counted in ClinVar's aggregate classification.
Comment: This variant is classified as likely benign based on ACMG/AMP sequence variant interpretation guidelines (Richards et al. 2015 PMID: 25741868, with internal and published modifications).